The following is an entry in ClinVar:

ClinVar aggregate classification (germline): Uncertain significance (1 of 4 stars; one submission).

Conditions:
Inborn genetic diseases. Identifiers: MedGen C0950123, MeSH D030342.

Submission:

Ambry Genetics
Classification: Uncertain significance for Inborn genetic diseases. Last evaluated: 2024-03-18. Review status: criteria provided, single submitter. Criteria: Ambry Variant Classification Scheme 2023. Collection method: clinical testing. Allele origin: germline.
Comment: The p.K1385N variant (also known as c.4155G>T), located in coding exon 29 of the LRRK2 gene, results from a G to T substitution at nucleotide position 4155. The lysine at codon 1385 is replaced by asparagine, an amino acid with similar properties. This amino acid position is conserved. In addition, this alteration is predicted to be tolerated by in silico analysis. Based on the available evidence, the clinical significance of this alteration remains unclear.

NM_198578.4(LRRK2):c.4155G>T (p.Lys1385Asn)

Gene: LRRK2 (leucine rich repeat kinase 2; plus strand). Cytogenetic location: 12q12.
Variant type: single nucleotide variant.
Coding change: c.4155G>T on transcript NM_198578.4 (MANE Select); coding-DNA position 4155, G replaced by T.
Protein change: p.Lys1385Asn; replaces lysine 1385 with asparagine.
Molecular consequence: missense variant.
Genome position (GRCh38, 1-based): chr12:40,308,662, G>T. VCF-style: chr12-40308662-G-T. GRCh37 (hg19) VCF-style: chr12-40702464-G-T.
Other names: short protein forms K1385N.
Identifiers: ClinVar variation 3291921 (VCV003291921.1).